The following is an entry in ClinVar:

ClinVar aggregate classification (germline): Uncertain significance. Review status: criteria provided, multiple submitters, no conflicts (2 of 4 stars). 3 submissions from 3 submitters: Uncertain significance (3). Last evaluated 2023-10-28.

Conditions:
SMC1A-related disorder. Also called: SMC1A-related condition.
Congenital muscular hypertrophy-cerebral syndrome (CDLS2). Also called: Cornelia de Lange syndrome 2; SMC1A-Related Cornelia de Lange Syndrome. Identifiers: Orphanet 199, MedGen C1802395, MONDO:0010370, OMIM 300590.

Allele frequency attached by ClinVar (database versions not stated): gnomAD exomes below 0.00001; gnomAD 0.00001; TOPMed 0.00001.
gnomAD v4.1: 6 of 1,209,725 alleles (0.0005%); highest among the groups gnomAD compares: Non-Finnish European, 0.00056%; no homozygotes.

Submissions (3):

Labcorp Genetics (formerly Invitae), Labcorp
Classification: Uncertain significance for Congenital muscular hypertrophy-cerebral syndrome. Last evaluated: 2023-10-28. Review status: criteria provided, single submitter. Criteria: Invitae Variant Classification Sherloc (09022015). Collection method: clinical testing. Allele origin: germline.
Comment: This sequence change replaces arginine, which is basic and polar, with histidine, which is basic and polar, at codon 160 of the SMC1A protein (p.Arg160His). This variant is not present in population databases (gnomAD no frequency). This variant has not been reported in the literature in individuals affected with SMC1A-related conditions. Advanced modeling of protein sequence and biophysical properties (such as structural, functional, and spatial information, amino acid conservation, physicochemical variation, residue mobility, and thermodynamic stability) performed at Invitae indicates that this missense variant is not expected to disrupt SMC1A protein function with a negative predictive value of 80%. In summary, the available evidence is currently insufficient to determine the role of this variant in disease. Therefore, it has been classified as a Variant of Uncertain Significance.

GeneDx
Classification: Uncertain significance. Last evaluated: 2023-07-24. Review status: criteria provided, single submitter. Criteria: GeneDx Variant Classification Process June 2021. Collection method: clinical testing. Allele origin: germline. Affected: yes.
Comment: Not observed at significant frequency in large population cohorts (gnomAD); Missense variants in this gene are often considered pathogenic (HGMD); In silico analysis supports that this missense variant does not alter protein structure/function; Has not been previously published as pathogenic or benign to our knowledge

PreventionGenetics, part of Exact Sciences
Classification: Uncertain significance for SMC1A-related condition. Last evaluated: 2023-02-17. Review status: criteria provided, single submitter. Criteria: ACMG Guidelines, 2015. Collection method: clinical testing. Allele origin: germline.
Comment: The SMC1A c.479G>A variant is predicted to result in the amino acid substitution p.Arg160His. To our knowledge, this variant has not been reported in the literature or in a large population database, indicating this variant is rare. At this time, the clinical significance of this variant is uncertain due to the absence of conclusive functional and genetic evidence.

NM_006306.4(SMC1A):c.479G>A (p.Arg160His)

Gene: SMC1A (structural maintenance of chromosomes 1A; minus strand). Cytogenetic location: Xp11.22.
Variant type: single nucleotide variant.
Coding change: c.479G>A on transcript NM_006306.4 (MANE Select); coding-DNA position 479, G replaced by A.
Protein change: p.Arg160His; replaces arginine 160 with histidine.
Molecular consequence: missense variant.
Genome position (GRCh38, 1-based): chrX:53,413,368, C>T on the plus strand (G>A on the coding strand, the complement: SMC1A is on the minus strand). VCF-style: chrX-53413368-C-T. GRCh37 (hg19) VCF-style: chrX-53440318-C-T.
Other names: c.413G>A, p.Arg138His (NM_001281463.1); c.479G>A (NM_006306.2); short protein forms R138H, R160H.
Identifiers: ClinVar variation 2637395 (VCV002637395.5), dbSNP rs2075720699, ClinGen allele CA413259440.